The following is an entry in ClinVar:

ClinVar aggregate classification (germline): Uncertain significance (1 of 4 stars; one submission).

Allele frequency attached by ClinVar (database versions not stated): gnomAD exomes below 0.00001; ExAC 0.00001; gnomAD 0.00002; TOPMed 0.00002.
gnomAD v4.1: 6 of 1,613,564 alleles (0.00037%); highest among the groups gnomAD compares: African/African-American, 0.004%; no homozygotes.

Submission:

Labcorp Genetics (formerly Invitae), Labcorp
Classification: Uncertain significance. Last evaluated: 2022-10-13. Review status: criteria provided, single submitter. Criteria: Invitae Variant Classification Sherloc (09022015). Collection method: clinical testing. Allele origin: germline.
Comment: Algorithms developed to predict the effect of missense changes on protein structure and function (SIFT, PolyPhen-2, Align-GVGD) all suggest that this variant is likely to be disruptive. In summary, the available evidence is currently insufficient to determine the role of this variant in disease. Therefore, it has been classified as a Variant of Uncertain Significance. This variant has not been reported in the literature in individuals affected with CAMK2B-related conditions. This variant is present in population databases (rs759654384, gnomAD 0.01%). This sequence change replaces proline, which is neutral and non-polar, with leucine, which is neutral and non-polar, at codon 270 of the CAMK2B protein (p.Pro270Leu).

NM_001220.5(CAMK2B):c.809C>T (p.Pro270Leu)

Gene: CAMK2B (calcium/calmodulin dependent protein kinase II beta; minus strand). Cytogenetic location: 7p13.
Variant type: single nucleotide variant.
Coding change: c.809C>T on transcript NM_001220.5 (MANE Select); coding-DNA position 809, C replaced by T.
Protein change: p.Pro270Leu; replaces proline 270 with leucine.
Molecular consequence: missense variant.
Genome position (GRCh38, 1-based): chr7:44,242,228, G>A on the plus strand (C>T on the coding strand, the complement: CAMK2B is on the minus strand). VCF-style: chr7-44242228-G-A. GRCh37 (hg19) VCF-style: chr7-44281827-G-A.
Other names: c.809C>T, p.Pro270Leu (NM_001293170.2, NM_172078.3, NM_172079.3 and 5 more transcripts); short protein forms P270L.
Identifiers: ClinVar variation 1993683 (VCV001993683.4), dbSNP rs759654384, ClinGen allele CA4240593.